The following is an entry in ClinVar:

ClinVar aggregate classification (germline): Pathogenic/Likely pathogenic. Review status: criteria provided, multiple submitters, no conflicts (2 of 4 stars). 6 submissions from 6 submitters: Pathogenic (1); Likely pathogenic (4). 1 of the submissions does not count toward it. Last evaluated 2025-12-04.

Conditions:
Autosomal dominant nonsyndromic hearing loss 11. Identifiers: Orphanet 90635, MedGen C1832475, MONDO:0011032, OMIM 601317.
Usher syndrome type 1 (USH1). Also called: RETINITIS PIGMENTOSA AND CONGENITAL DEAFNESS. Identifiers: Orphanet 231169, Orphanet 886, MedGen C1568247, MONDO:0010168, OMIM 276900.
Autosomal recessive nonsyndromic hearing loss 2. Also called: DEAFNESS, AUTOSOMAL RECESSIVE 2; NEUROSENSORY NONSYNDROMIC RECESSIVE DEAFNESS 2. Identifiers: Orphanet 90636, MedGen C1838701, MONDO:0010807, OMIM 600060.
Usher syndrome type 1B (USH1B). Also called: Usher syndrome type IB. Identifiers: MedGen C1848638, MONDO:0700087.
MYO7A-related disorder. Also called: MYO7A-related disorders.

Allele frequency attached by ClinVar (database versions not stated): TOPMed below 0.00001; gnomAD 0.00001; gnomAD exomes 0.00001.
gnomAD v4.1: 8 of 1,613,754 alleles (0.0005%); highest among the groups gnomAD compares: Admixed American, 0.0017%; no homozygotes.

Submissions (6):

Natera, Inc.
Classification: Likely pathogenic for Usher syndrome type 1B. Last evaluated: 2025-12-04. Review status: criteria provided, single submitter. Criteria: Natera Variant Classification Schema (03/2026). Collection method: clinical testing. Allele origin: germline.
Comment: The c.3610C>A variant in MYO7A is a missense variant predicted to cause substitution of proline to threonine at amino acid 1204. This variant is rare in the general population with a frequency below the threshold expected for the associated phenotype(s). This variant has been observed in one or more individuals affected with the associated recessive disease, as either homozygous or compound heterozygous with a second variant (PMID: 33576794, 32531858, 33576163). Computational prediction algorithms indicate this variant is likely to affect gene or protein function. Given the available evidence, this variant is classified as Likely Pathogenic.

CeGaT Center for Human Genetics Tuebingen
Classification: Likely pathogenic. Last evaluated: 2025-07-01. Review status: criteria provided, single submitter. Criteria: CeGaT Center For Human Genetics Tuebingen Variant Classification Criteria Version 2. Collection method: clinical testing. Allele origin: germline. Affected: yes. Observed: 1 variant allele.
Comment: MYO7A: PM3:Strong, PM2, PP3

Labcorp Genetics (formerly Invitae), Labcorp
Classification: Pathogenic. Last evaluated: 2025-05-04. Review status: criteria provided, single submitter. Criteria: Invitae Variant Classification Sherloc (09022015). Collection method: clinical testing. Allele origin: germline.
Comment: This sequence change replaces proline, which is neutral and non-polar, with threonine, which is neutral and polar, at codon 1204 of the MYO7A protein (p.Pro1204Thr). This variant is present in population databases (no rsID available, gnomAD 0.002%). This missense change has been observed in individual(s) with autosomal recessive Usher syndrome (PMID: 24498627, 33576163, 33576794). In at least one individual the data is consistent with being in trans (on the opposite chromosome) from a pathogenic variant. ClinVar contains an entry for this variant (Variation ID: 556065). Invitae Evidence Modeling of protein sequence and biophysical properties (such as structural, functional, and spatial information, amino acid conservation, physicochemical variation, residue mobility, and thermodynamic stability) indicates that this missense variant is expected to disrupt MYO7A protein function with a positive predictive value of 95%. For these reasons, this variant has been classified as Pathogenic.

Fulgent Genetics
Classification: Likely pathogenic for Usher syndrome type 1; Autosomal recessive nonsyndromic hearing loss 2; Autosomal dominant nonsyndromic hearing loss 11. Last evaluated: 2024-06-13. Review status: criteria provided, single submitter. Criteria: ACMG Guidelines, 2015. Collection method: clinical testing. Allele origin: germline.

Blueprint Genetics
Classification: Likely pathogenic for MYO7A-related disorders. Last evaluated: 2022-04-02. Review status: criteria provided, single submitter. Criteria: ACMG Guidelines, 2015. Collection method: clinical testing. Allele origin: germline. Affected: yes. Observed: 3 variant alleles.

Counsyl
Classification: Uncertain significance for Usher syndrome type 1; Autosomal recessive nonsyndromic hearing loss 2. Last evaluated: 2018-01-10. Review status: flagged submission. Collection method: clinical testing. Allele origin: unknown. Not counted in ClinVar's aggregate classification.
ClinVar note: Reason: Older and outlier claim with insufficient supporting evidence

Literature cited by the submitters: PubMed 33576794 (cited by Natera, Inc. and Labcorp Genetics (formerly Invitae), Labcorp); PubMed 32531858 (cited by Natera, Inc.); PubMed 33576163 (cited by Natera, Inc. and Labcorp Genetics (formerly Invitae), Labcorp); PubMed 24498627 (cited by Labcorp Genetics (formerly Invitae), Labcorp and Counsyl).

NM_000260.4(MYO7A):c.3610C>A (p.Pro1204Thr)

Gene: MYO7A (myosin VIIA; plus strand). Cytogenetic location: 11q13.5.
Variant type: single nucleotide variant.
Coding change: c.3610C>A on transcript NM_000260.4 (MANE Select); coding-DNA position 3610, C replaced by A.
Protein change: p.Pro1204Thr; replaces proline 1204 with threonine.
Molecular consequence: missense variant.
Genome position (GRCh38, 1-based): chr11:77,189,450, C>A. VCF-style: chr11-77189450-C-A. GRCh37 (hg19) VCF-style: chr11-76900495-C-A.
Other names: c.3610C>A, p.Pro1204Thr (NM_001127180.2); c.3577C>A, p.Pro1193Thr (NM_001369365.1); short protein forms P1204T, P1193T.
Identifiers: ClinVar variation 556065 (VCV000556065.21), dbSNP rs1555090442, ClinGen allele CA381947041.